The following is an entry in ClinVar:

NM_080732.4(EGLN2):c.491G>A (p.Gly164Glu)

Genes: EGLN2 (egl-9 family hypoxia inducible factor 2; plus strand), RAB4B-EGLN2 (RAB4B-EGLN2 readthrough (NMD candidate); plus strand). Cytogenetic location: 19q13.2.
Variant type: single nucleotide variant.
Coding change: c.491G>A on transcript NM_080732.4 (MANE Select); coding-DNA position 491, G replaced by A.
Protein change: p.Gly164Glu; replaces glycine 164 with glutamic acid.
Molecular consequence: missense variant. On other transcripts: non-coding transcript variant (1).
Genome position (GRCh38, 1-based): chr19:40,801,063, G>A. VCF-style: chr19-40801063-G-A. GRCh37 (hg19) VCF-style: chr19-41306968-G-A.
Other names: c.491G>A, p.Gly164Glu (NM_053046.4); short protein forms G164E.
Identifiers: ClinVar variation 1744110 (VCV001744110.2), dbSNP rs2515994367, ClinGen allele CA405955373.

ClinVar aggregate classification (germline): Uncertain significance (1 of 4 stars; one submission).

Allele frequency attached by ClinVar (database versions not stated): gnomAD exomes below 0.00001.
gnomAD v4.1: 1 of 1,612,900 alleles (0.000062%); no homozygotes.

Submission:

Ambry Genetics
Classification: Uncertain significance. Last evaluated: 2022-08-17. Review status: criteria provided, single submitter. Criteria: Ambry Variant Classification Scheme 2023. Collection method: clinical testing. Allele origin: germline.
Comment: The p.G164E variant (also known as c.491G>A), located in coding exon 1 of the EGLN2 gene, results from a G to A substitution at nucleotide position 491. The glycine at codon 164 is replaced by glutamic acid, an amino acid with similar properties. This amino acid position is conserved. In addition, this alteration is predicted to be tolerated by in silico analysis. Since supporting evidence is limited at this time, the clinical significance of this alteration remains unclear.